The following is an entry in ClinVar:

ClinVar aggregate classification (germline): Uncertain significance. Review status: criteria provided, multiple submitters, no conflicts (2 of 4 stars). 2 submissions from 2 submitters: Uncertain significance (2). Last evaluated 2025-01-12.

Conditions:
Camptomelic dysplasia (CMPD). Also called: CMPD1/SRA1; Campomelic Dysplasia. Identifiers: Orphanet 140, MedGen C1861922, MONDO:0007251, OMIM 114290.
Inborn genetic diseases. Identifiers: MedGen C0950123, MeSH D030342.

gnomAD v4.1: 3 of 1,612,648 alleles (0.00019%); highest among the groups gnomAD compares: Admixed American, 0.0017%; no homozygotes.

Submissions (2):

Labcorp Genetics (formerly Invitae), Labcorp
Classification: Uncertain significance for Camptomelic dysplasia. Last evaluated: 2025-01-12. Review status: criteria provided, single submitter. Criteria: Invitae Variant Classification Sherloc (09022015). Collection method: clinical testing. Allele origin: germline.
Comment: This sequence change replaces methionine, which is neutral and non-polar, with isoleucine, which is neutral and non-polar, at codon 8 of the SOX9 protein (p.Met8Ile). This variant is not present in population databases (gnomAD no frequency). This variant has not been reported in the literature in individuals affected with SOX9-related conditions. Invitae Evidence Modeling of protein sequence and biophysical properties (such as structural, functional, and spatial information, amino acid conservation, physicochemical variation, residue mobility, and thermodynamic stability) indicates that this missense variant is not expected to disrupt SOX9 protein function with a negative predictive value of 95%. In summary, the available evidence is currently insufficient to determine the role of this variant in disease. Therefore, it has been classified as a Variant of Uncertain Significance.

Ambry Genetics
Classification: Uncertain significance for Inborn genetic diseases. Last evaluated: 2024-12-23. Review status: criteria provided, single submitter. Criteria: Ambry Variant Classification Scheme 2023. Collection method: clinical testing. Allele origin: germline.

NM_000346.4(SOX9):c.24G>A (p.Met8Ile)

Genes: SOX9 (SRY-box transcription factor 9; plus strand), LOC108021846 (SOX9 promoter region; plus strand). Cytogenetic location: 17q24.3.
Variant type: single nucleotide variant.
Coding change: c.24G>A on transcript NM_000346.4 (MANE Select); coding-DNA position 24, G replaced by A.
Protein change: p.Met8Ile; replaces methionine 8 with isoleucine.
Molecular consequence: missense variant.
Genome position (GRCh38, 1-based): chr17:72,121,415, G>A. VCF-style: chr17-72121415-G-A. GRCh37 (hg19) VCF-style: chr17-70117556-G-A.
Other names: c.24G>A (NM_000346.3); short protein forms M8I.
Identifiers: ClinVar variation 3695357 (VCV003695357.3).